The following is an entry in ClinVar:

NM_199069.2(NDUFAF3):c.26G>T (p.Ser9Ile)

Genes: NDUFAF3 (NADH:ubiquinone oxidoreductase complex assembly factor 3; plus strand), LOC129936729 (ATAC-STARR-seq lymphoblastoid silent region 14349; plus strand). Cytogenetic location: 3p21.31.
Variant type: single nucleotide variant.
Coding change: c.26G>T on transcript NM_199069.2 (MANE Select); coding-DNA position 26, G replaced by T.
Protein change: p.Ser9Ile; replaces serine 9 with isoleucine.
Molecular consequence: missense variant. On other transcripts: intron variant (3).
Genome position (GRCh38, 1-based): chr3:49,022,170, G>T. VCF-style: chr3-49022170-G-T. GRCh37 (hg19) VCF-style: chr3-49059603-G-T.
Other names: c.-94-176G>T (NM_199074.2, NM_199073.2, NM_199070.2); short protein forms S9I.
Identifiers: ClinVar variation 902656 (VCV000902656.5), dbSNP rs551062879, ClinGen allele CA2390143.

ClinVar aggregate classification (germline): Uncertain significance. Review status: criteria provided, multiple submitters, no conflicts (2 of 4 stars). 2 submissions from 2 submitters: Uncertain significance (2). Last evaluated 2024-01-18.

Conditions:
Mitochondrial complex I deficiency, nuclear type 1. Also called: NADH-COENZYME Q REDUCTASE DEFICIENCY; MITOCHONDRIAL NADH DEHYDROGENASE COMPONENT OF COMPLEX I, DEFICIENCY OF. Identifiers: MedGen C6022305, MONDO:0100224, OMIM 252010.

Allele frequency attached by ClinVar (database versions not stated): gnomAD 0.00001; gnomAD exomes 0.00002; ExAC 0.00003; TOPMed 0.00003; 1000 Genomes Project 30x 0.00016; 1000 Genomes Project 0.00020.

Submissions (2):

GeneDx
Classification: Uncertain significance. Last evaluated: 2024-01-18. Review status: criteria provided, single submitter. Criteria: GeneDx Variant Classification Process June 2021. Collection method: clinical testing. Allele origin: germline. Affected: yes.
Comment: In silico analysis supports that this missense variant does not alter protein structure/function; Has not been previously published as pathogenic or benign to our knowledge

Illumina Laboratory Services, Illumina
Classification: Uncertain significance for Mitochondrial complex I deficiency, nuclear type 1. Last evaluated: 2018-01-13. Review status: criteria provided, single submitter. Criteria: ICSL Variant Classification Criteria 13 December 2019. Collection method: clinical testing. Allele origin: germline.